The following is an entry in ClinVar:

ClinVar aggregate classification (germline): Benign. Review status: criteria provided, multiple submitters, no conflicts (2 of 4 stars). 6 submissions from 6 submitters: Benign (6). Last evaluated 2026-02-03.

Conditions:
Hypomyelination with brain stem and spinal cord involvement and leg spasticity. Also called: ASPARTYL-tRNA SYNTHETASE DEFICIENCY; Hypomyelination with brainstem and spinal cord involvement and leg spasticity. Identifiers: Orphanet 363412, MedGen C4755254, MONDO:0014115, OMIM 615281.

Allele frequency attached by ClinVar (database versions not stated): gnomAD exomes 0.15551 and 0.21146; gnomAD 0.19073 and 0.19336; TOPMed 0.19808; ExAC 0.20607; 1000 Genomes Project 0.22324.
gnomAD v4.1: 192,755 of 1,191,874 alleles (16%); highest among the groups gnomAD compares: Middle Eastern, 36%; 21,424 homozygotes.

Submissions (6):

Labcorp Genetics (formerly Invitae), Labcorp
Classification: Benign. Last evaluated: 2026-02-03. Review status: criteria provided, single submitter. Criteria: Invitae Variant Classification Sherloc (09022015). Collection method: clinical testing. Allele origin: germline.

Genomic Medicine Center of Excellence, King Faisal Specialist Hospital and Research Centre
Classification: Benign for Hypomyelination with brain stem and spinal cord involvement and leg spasticity. Last evaluated: 2025-07-30. Review status: criteria provided, single submitter. Criteria: ACMG Guidelines, 2015. Collection method: clinical testing. Allele origin: germline.

Blueprint Genetics
Classification: Benign. Last evaluated: 2024-11-26. Review status: criteria provided, single submitter. Criteria: ACMG Guidelines, 2015. Collection method: clinical testing. Allele origin: germline.

Genome-Nilou Lab
Classification: Benign for Hypomyelination with brain stem and spinal cord involvement and leg spasticity. Last evaluated: 2021-07-30. Review status: criteria provided, single submitter. Criteria: ACMG Guidelines, 2015. Collection method: clinical testing. Allele origin: germline. Affected: no.

GeneDx
Classification: Benign. Last evaluated: 2016-02-04. Review status: criteria provided, single submitter. Criteria: GeneDx Variant Classification (06012015). Collection method: clinical testing. Allele origin: germline. Affected: yes.
Comment: This variant is considered likely benign or benign based on one or more of the following criteria: it is a conservative change, it occurs at a poorly conserved position in the protein, it is predicted to be benign by multiple in silico algorithms, and/or has population frequency not consistent with disease.

Breakthrough Genomics
Classification: Benign. Review status: criteria provided, single submitter. Criteria: ACMG Guidelines, 2015. Collection method: not provided. Allele origin: germline. Inheritance: Autosomal recessive inheritance. Affected: yes.

NM_001349.4(DARS1):c.505-13T>C

Gene: DARS1 (aspartyl-tRNA synthetase 1; minus strand). Cytogenetic location: 2q21.3.
Variant type: single nucleotide variant.
Coding change: c.505-13T>C on transcript NM_001349.4 (MANE Select); 13 bases into the intron before coding-DNA position 505, T replaced by C.
Molecular consequence: intron variant.
Genome position (GRCh38, 1-based): chr2:135,932,855, A>G on the plus strand (T>C on the coding strand, the complement: DARS1 is on the minus strand). VCF-style: chr2-135932855-A-G. GRCh37 (hg19) VCF-style: chr2-136690425-A-G.
Other names: c.205-13T>C (NM_001293312.1).
Identifiers: ClinVar variation 383416 (VCV000383416.17), dbSNP rs371309040, ClinGen allele CA1889779.